The following is an entry in ClinVar:

NM_030957.4(ADAMTS10):c.1519C>T (p.Arg507Trp)

Gene: ADAMTS10 (ADAM metallopeptidase with thrombospondin type 1 motif 10; minus strand). Cytogenetic location: 19p13.2.
Variant type: single nucleotide variant.
Coding change: c.1519C>T on transcript NM_030957.4 (MANE Select); coding-DNA position 1519, C replaced by T.
Protein change: p.Arg507Trp; replaces arginine 507 with tryptophan.
Molecular consequence: missense variant.
Genome position (GRCh38, 1-based): chr19:8,592,831, G>A on the plus strand (C>T on the coding strand, the complement: ADAMTS10 is on the minus strand). VCF-style: chr19-8592831-G-A. GRCh37 (hg19) VCF-style: chr19-8657715-G-A.
Other names: short protein forms R507W.
Identifiers: ClinVar variation 1495281 (VCV001495281.8), dbSNP rs1037546094, ClinGen allele CA305001507.

ClinVar aggregate classification (germline): Uncertain significance (1 of 4 stars; one submission).

Allele frequency attached by ClinVar (database versions not stated): gnomAD 0.00001; gnomAD exomes 0.00001 and 0.00002; TOPMed 0.00001.
gnomAD v4.1: 26 of 1,612,832 alleles (0.0016%); highest among the groups gnomAD compares: Non-Finnish European, 0.002%; no homozygotes.

Submission:

Labcorp Genetics (formerly Invitae), Labcorp
Classification: Uncertain significance. Last evaluated: 2022-06-13. Review status: criteria provided, single submitter. Criteria: Invitae Variant Classification Sherloc (09022015). Collection method: clinical testing. Allele origin: germline.
Comment: In summary, the available evidence is currently insufficient to determine the role of this variant in disease. Therefore, it has been classified as a Variant of Uncertain Significance. This sequence change replaces arginine, which is basic and polar, with tryptophan, which is neutral and slightly polar, at codon 507 of the ADAMTS10 protein (p.Arg507Trp). This variant is present in population databases (no rsID available, gnomAD 0.004%). This variant has not been reported in the literature in individuals affected with ADAMTS10-related conditions. Algorithms developed to predict the effect of missense changes on protein structure and function (SIFT, PolyPhen-2, Align-GVGD) all suggest that this variant is likely to be disruptive.